The following is an entry in ClinVar:

ClinVar aggregate classification (germline): Uncertain significance. Review status: criteria provided, single submitter (1 of 4 stars). 3 submissions from 3 submitters: Uncertain significance (1). 2 of the submissions do not count toward it. Last evaluated 2025-11-24.

Conditions:
Tuberous sclerosis 1 (TSC1). Identifiers: Orphanet 805, MedGen C1854465, MONDO:0008612, OMIM 191100.

Allele frequency attached by ClinVar (database versions not stated): TOPMed below 0.00001.

Submissions (3):

Labcorp Genetics (formerly Invitae), Labcorp
Classification: Uncertain significance for Tuberous sclerosis 1. Last evaluated: 2025-11-24. Review status: criteria provided, single submitter. Criteria: Invitae Variant Classification Sherloc (09022015). Collection method: clinical testing. Allele origin: germline.
Comment: This sequence change replaces serine, which is neutral and polar, with phenylalanine, which is neutral and non-polar, at codon 453 of the TSC1 protein (p.Ser453Phe). This variant is not present in population databases (gnomAD no frequency). This variant has not been reported in the literature in individuals affected with TSC1-related conditions. ClinVar contains an entry for this variant (Variation ID: 1041666). Invitae Evidence Modeling of protein sequence and biophysical properties (such as structural, functional, and spatial information, amino acid conservation, physicochemical variation, residue mobility, and thermodynamic stability) indicates that this missense variant is not expected to disrupt TSC1 protein function with a negative predictive value of 95%. In summary, the available evidence is currently insufficient to determine the role of this variant in disease. Therefore, it has been classified as a Variant of Uncertain Significance.

Clinical Genetics DNA and cytogenetics Diagnostics Lab, Erasmus MC, Erasmus Medical Center
Classification: Uncertain significance. Review status: no assertion criteria provided. Collection method: clinical testing. Allele origin: germline. Affected: yes. Study: VKGL Data-share Consensus. Not counted in ClinVar's aggregate classification.

Joint Genome Diagnostic Labs from Nijmegen and Maastricht, Radboudumc and MUMC+
Classification: Uncertain significance. Review status: no assertion criteria provided. Collection method: clinical testing. Allele origin: germline. Affected: yes. Study: VKGL Data-share Consensus. Not counted in ClinVar's aggregate classification.

NM_000368.5(TSC1):c.1358C>T (p.Ser453Phe)

Gene: TSC1 (TSC complex subunit 1; minus strand). Cytogenetic location: 9q34.13.
Variant type: single nucleotide variant.
Coding change: c.1358C>T on transcript NM_000368.5 (MANE Select); coding-DNA position 1358, C replaced by T.
Protein change: p.Ser453Phe; replaces serine 453 with phenylalanine.
Molecular consequence: missense variant.
Genome position (GRCh38, 1-based): chr9:132,906,811, G>A on the plus strand (C>T on the coding strand, the complement: TSC1 is on the minus strand). VCF-style: chr9-132906811-G-A. GRCh37 (hg19) VCF-style: chr9-135782198-G-A.
Other names: c.1355C>T, p.Ser452Phe (NM_001162426.2); c.1205C>T, p.Ser402Phe (NM_001162427.2); c.995C>T, p.Ser332Phe (NM_001362177.2); short protein forms S332F, S402F, S453F, S452F.
Identifiers: ClinVar variation 1041666 (VCV001041666.13), dbSNP rs1271797824, ClinGen allele CA375366012.
Genomic context (GRCh38, chr9:132,906,811, plus strand): 5'-ATACTATCTTCTTCAGAGGCCAGATCACCTAAAAACCCTGGAAGATCACTTAGAGTGACA[G>A]AACCTTTGCTGCCAGGTGGCTCTTCTGAAGAGAAACAAAGACAACTGAAGTCAAAGAAAT-3'
Protein context (NP_000359.1, residues 443-463): GSEEPPGSKG[Ser453Phe]VTLSDLPGFL